The following is an entry in ClinVar:

ClinVar aggregate classification (germline): Benign/Likely benign. Review status: criteria provided, multiple submitters, no conflicts (2 of 4 stars). 3 submissions from 3 submitters: Benign (1); Likely benign (2). Last evaluated 2026-02-01.

Conditions:
Retinal dystrophy. Also called: Inherited retinal dystrophy. Identifiers: Orphanet 71862, MedGen C0854723, MeSH D058499, MONDO:0019118, HP:0000556.

Allele frequency attached by ClinVar (database versions not stated): gnomAD 0.00354 and 0.00376; TOPMed 0.00377; ESP Exome Variant Server 0.00408; gnomAD exomes 0.00488 and 0.00542; ExAC 0.00535; 1000 Genomes Project 0.00539; 1000 Genomes Project 30x 0.00547.
gnomAD v4.1: 7,758 of 1,614,152 alleles (0.48%); highest among the groups gnomAD compares: Middle Eastern, 1.7%; 40 homozygotes.

Submissions (3):

Labcorp Genetics (formerly Invitae), Labcorp
Classification: Benign. Last evaluated: 2026-02-01. Review status: criteria provided, single submitter. Criteria: Invitae Variant Classification Sherloc (09022015). Collection method: clinical testing. Allele origin: germline.

CeGaT Center for Human Genetics Tuebingen
Classification: Likely benign. Last evaluated: 2024-02-01. Review status: criteria provided, single submitter. Criteria: CeGaT Center For Human Genetics Tuebingen Variant Classification Criteria Version 2. Collection method: clinical testing. Allele origin: germline. Affected: yes. Observed: 5 variant alleles.
Comment: DHX38: BP4, BP7, BS2

Dept Of Ophthalmology, Nagoya University
Classification: Likely benign for Retinal dystrophy. Last evaluated: 2023-10-01. Review status: criteria provided, single submitter. Criteria: Submitter's publication. Collection method: research. Allele origin: germline. Affected: yes.

NM_014003.4(DHX38):c.1281G>A (p.Pro427=)

Gene: DHX38 (DEAH-box helicase 38; plus strand). Cytogenetic location: 16q22.2.
Variant type: single nucleotide variant.
Coding change: c.1281G>A on transcript NM_014003.4 (MANE Select); coding-DNA position 1281, G replaced by A.
Protein change: p.Pro427=; no amino-acid change (proline 427 retained).
Molecular consequence: synonymous variant.
Genome position (GRCh38, 1-based): chr16:72,101,088, G>A. VCF-style: chr16-72101088-G-A. GRCh37 (hg19) VCF-style: chr16-72134987-G-A.
Identifiers: ClinVar variation 775155 (VCV000775155.52), dbSNP rs35586337, ClinGen allele CA8160273.
Genomic context (GRCh38, chr16:72,101,088, plus strand): 5'-TGAACATGGCCTTCTTGCTGATTTTAACGGGCATCGCTCTTTCTCCCCACTGCTGCAGCC[G>A]GAGCCGGTGATTCCAGTGAAGGATGCTACTTCTGACCTGGCCATCATTGCTCGGAAAGGC-3'
Protein context (NP_054722.2, residues 417-437): LDGRIVFTKQ[Pro427=]EPVIPVKDAT